The following is an entry in ClinVar:

ClinVar aggregate classification (germline): Uncertain significance (1 of 4 stars; one submission).

Conditions:
Hereditary antithrombin deficiency (AT3D). Also called: Antithrombin III deficiency; Thrombophilia due to antithrombin III deficiency; Reduced antithrombin III activity; Antithrombin deficiency. Identifiers: Orphanet 82, MedGen C0272375, MONDO:0013144, OMIM 613118, HP:0001976.

Allele frequency attached by ClinVar (database versions not stated): ExAC 0.00001; TOPMed 0.00001.

Submission:

Labcorp Genetics (formerly Invitae), Labcorp
Classification: Uncertain significance for Hereditary antithrombin deficiency. Last evaluated: 2022-09-06. Review status: criteria provided, single submitter. Criteria: Invitae Variant Classification Sherloc (09022015). Collection method: clinical testing. Allele origin: germline.
Comment: This sequence change replaces isoleucine, which is neutral and non-polar, with threonine, which is neutral and polar, at codon 452 of the SERPINC1 protein (p.Ile452Thr). This variant is not present in population databases (gnomAD no frequency). This variant has not been reported in the literature in individuals affected with SERPINC1-related conditions. Algorithms developed to predict the effect of missense changes on protein structure and function (SIFT, PolyPhen-2, Align-GVGD) all suggest that this variant is likely to be disruptive. In summary, the available evidence is currently insufficient to determine the role of this variant in disease. Therefore, it has been classified as a Variant of Uncertain Significance.

NM_000488.4(SERPINC1):c.1355T>C (p.Ile452Thr)

Gene: SERPINC1 (serpin family C member 1; minus strand). Cytogenetic location: 1q25.1.
Variant type: single nucleotide variant.
Coding change: c.1355T>C on transcript NM_000488.4 (MANE Select); coding-DNA position 1355, T replaced by C.
Protein change: p.Ile452Thr; replaces isoleucine 452 with threonine.
Molecular consequence: missense variant.
Genome position (GRCh38, 1-based): chr1:173,903,929, A>G on the plus strand (T>C on the coding strand, the complement: SERPINC1 is on the minus strand). VCF-style: chr1-173903929-A-G. GRCh37 (hg19) VCF-style: chr1-173873067-A-G.
Other names: c.1211T>C, p.Ile404Thr (NM_001365052.2); c.1478T>C, p.Ile493Thr (NM_001386302.1); c.1436T>C, p.Ile479Thr (NM_001386303.1); c.1334T>C, p.Ile445Thr (NM_001386304.1); c.1298T>C, p.Ile433Thr (NM_001386305.1); c.1139T>C, p.Ile380Thr (NM_001386306.1); short protein forms I380T, I433T, I404T, I479T, I493T, I445T, I452T.
Identifiers: ClinVar variation 2155880 (VCV002155880.1), dbSNP rs758603270, ClinGen allele CA1251214.